The following is an entry in ClinVar:

ClinVar aggregate classification (germline): Uncertain significance. Review status: criteria provided, multiple submitters, no conflicts (2 of 4 stars). 2 submissions from 2 submitters: Uncertain significance (2). Last evaluated 2025-09-16.

Allele frequency attached by ClinVar (database versions not stated): ExAC 0.00001; gnomAD exomes 0.00003; gnomAD 0.00004 and 0.00005; TOPMed 0.00005; 1000 Genomes Project 0.00020; 1000 Genomes Project 30x 0.00031.

Submissions (2):

Labcorp Genetics (formerly Invitae), Labcorp
Classification: Uncertain significance. Last evaluated: 2025-09-16. Review status: criteria provided, single submitter. Criteria: Invitae Variant Classification Sherloc (09022015). Collection method: clinical testing. Allele origin: germline.
Comment: This sequence change replaces arginine, which is basic and polar, with tryptophan, which is neutral and slightly polar, at codon 597 of the IMPDH1 protein (p.Arg597Trp). This variant is present in population databases (rs530357590, gnomAD 0.02%). This variant has not been reported in the literature in individuals affected with IMPDH1-related conditions. ClinVar contains an entry for this variant (Variation ID: 194714). An algorithm developed to predict the effect of missense changes on protein structure and function (PolyPhen-2) suggests that this variant is likely to be tolerated. In summary, the available evidence is currently insufficient to determine the role of this variant in disease. Therefore, it has been classified as a Variant of Uncertain Significance.

Eurofins Ntd Llc (ga)
Classification: Uncertain significance. Last evaluated: 2015-04-07. Review status: criteria provided, single submitter. Criteria: EGL Classification Definitions 2015. Collection method: clinical testing. Allele origin: germline. Observed: 1 variant allele, 1 heterozygote.

NM_000883.4(IMPDH1):c.1789C>T (p.Arg597Trp)

Gene: IMPDH1 (inosine monophosphate dehydrogenase 1; minus strand). Cytogenetic location: 7q32.1.
Variant type: single nucleotide variant.
Coding change: c.1789C>T on transcript NM_000883.4 (MANE Select); coding-DNA position 1789, C replaced by T.
Protein change: p.Arg597Trp; replaces arginine 597 with tryptophan.
Molecular consequence: missense variant.
Genome position (GRCh38, 1-based): chr7:128,393,018, G>A on the plus strand (C>T on the coding strand, the complement: IMPDH1 is on the minus strand). VCF-style: chr7-128393018-G-A. GRCh37 (hg19) VCF-style: chr7-128033072-G-A.
Other names: c.1759C>T, p.Arg587Trp (NM_001102605.2); c.1534C>T, p.Arg512Trp (NM_001142573.2); c.1519C>T, p.Arg507Trp (NM_001142574.2); c.1459C>T, p.Arg487Trp (NM_001142575.2); c.1690C>T, p.Arg564Trp (NM_001142576.2); c.1582C>T, p.Arg528Trp (NM_001304521.2); c.1681C>T, p.Arg561Trp (NM_183243.3); short protein forms R597W, R507W, R564W, R487W, R528W, R561W, R512W, R587W.
Identifiers: ClinVar variation 194714 (VCV000194714.12), dbSNP rs530357590, ClinGen allele CA240847.